The following is an entry in ClinVar:

ClinVar aggregate classification (germline): Uncertain significance (1 of 4 stars; one submission).

Conditions:
Hyperaldosteronism, familial, type IV (HALD4). Also called: FH IV; ALDOSTERONISM, PRIMARY, AND HYPERTENSION. Identifiers: Orphanet 642671, MedGen C4310756, MONDO:0014875, OMIM 617027.
Idiopathic generalized epilepsy. Also called: Generalised epilepsy; EIG. Identifiers: MedGen C0270850, MONDO:0005579, OMIM 600669.

gnomAD v4.1: 1 of 1,607,442 alleles (0.000062%); highest among the groups gnomAD compares: South Asian, 0.0011%; no homozygotes.

Submission:

Labcorp Genetics (formerly Invitae), Labcorp
Classification: Uncertain significance for Idiopathic generalized epilepsy; Hyperaldosteronism, familial, type IV. Last evaluated: 2022-05-24. Review status: criteria provided, single submitter. Criteria: Invitae Variant Classification Sherloc (09022015). Collection method: clinical testing. Allele origin: germline.
Comment: This sequence change replaces isoleucine, which is neutral and non-polar, with methionine, which is neutral and non-polar, at codon 1334 of the CACNA1H protein (p.Ile1334Met). This variant is not present in population databases (gnomAD no frequency). This variant has not been reported in the literature in individuals affected with CACNA1H-related conditions. Algorithms developed to predict the effect of missense changes on protein structure and function are either unavailable or do not agree on the potential impact of this missense change (SIFT: "Deleterious"; PolyPhen-2: "Possibly Damaging"; Align-GVGD: "Class C0"). In summary, the available evidence is currently insufficient to determine the role of this variant in disease. Therefore, it has been classified as a Variant of Uncertain Significance.

NM_021098.3(CACNA1H):c.4002C>G (p.Ile1334Met)

Gene: CACNA1H (calcium voltage-gated channel subunit alpha1 H; plus strand). Cytogenetic location: 16p13.3.
Variant type: single nucleotide variant.
Coding change: c.4002C>G on transcript NM_021098.3 (MANE Select); coding-DNA position 4002, C replaced by G.
Protein change: p.Ile1334Met; replaces isoleucine 1334 with methionine.
Molecular consequence: missense variant.
Genome position (GRCh38, 1-based): chr16:1,210,615, C>G. VCF-style: chr16-1210615-C-G. GRCh37 (hg19) VCF-style: chr16-1260615-C-G.
Other names: c.4002C>G, p.Ile1334Met (NM_001005407.2); short protein forms I1334M.
Identifiers: ClinVar variation 2129222 (VCV002129222.4), dbSNP rs1969323771, ClinGen allele CA394177089.